The following is an entry in ClinVar:

ClinVar aggregate classification (germline): Uncertain significance (1 of 4 stars; one submission).

gnomAD v4.1: 1 of 1,613,988 alleles (0.000062%); highest among the groups gnomAD compares: Non-Finnish European, 0.000085%; no homozygotes.

Submission:

Mayo Clinic Laboratories, Mayo Clinic
Classification: Uncertain significance. Last evaluated: 2025-09-28. Review status: criteria provided, single submitter. Criteria: ACMG Guidelines, 2015. Collection method: clinical testing. Allele origin: germline. Observed: 1 variant allele.
Comment: PM2_supporting

NM_024408.4(NOTCH2):c.1729G>A (p.Asp577Asn)

Gene: NOTCH2 (notch receptor 2; minus strand). Cytogenetic location: 1p12.
Variant type: single nucleotide variant.
Coding change: c.1729G>A on transcript NM_024408.4 (MANE Select); coding-DNA position 1729, G replaced by A.
Protein change: p.Asp577Asn; replaces aspartic acid 577 with asparagine.
Molecular consequence: missense variant.
Genome position (GRCh38, 1-based): chr1:119,963,760, C>T on the plus strand (G>A on the coding strand, the complement: NOTCH2 is on the minus strand). VCF-style: chr1-119963760-C-T. GRCh37 (hg19) VCF-style: chr1-120506383-C-T.
Other names: p.Asp577Asn; c.1729G>A, p.Asp577Asn (NM_001200001.2); short protein forms D577N.
Identifiers: ClinVar variation 4541418 (VCV004541418.1).